The following is an entry in ClinVar:

NM_177438.3(DICER1):c.1817_1818insCGA (p.Asp609_Val610insAsp)

Gene: DICER1 (dicer 1, ribonuclease III; minus strand). Cytogenetic location: 14q32.13.
Variant type: Insertion.
Coding change: c.1817_1818insCGA on transcript NM_177438.3 (MANE Select); coding-DNA positions 1817 to 1818, CGA inserted.
Protein change: p.Asp609_Val610insAsp.
Molecular consequence: inframe insertion. On other transcripts: inframe indel (2), non-coding transcript variant (6).
Genome position: GRCh38 VCF-style: chr14-95115756-A-ATCG. GRCh37 (hg19) VCF-style: chr14-95582093-A-ATCG.
Other names: c.1817_1818insCGA, p.Asp609_Val610insAsp (NM_001195573.1, NM_001271282.3, NM_001291628.2 and 12 more transcripts); c.1815_1816insGAC, p.Asp609_Val610insAsp (NM_001395681.1); c.1535_1536insCGA, p.Asp515_Val516insAsp (NM_001395686.1); c.1412_1413insCGA, p.Asp474_Val475insAsp (NM_001395687.1, NM_001395688.1, NM_001395689.1 and 3 more transcripts); c.1250_1251insCGA, p.Asp420_Val421insAsp (NM_001395691.1); c.134_135insCGA, p.Asp48_Val49insAsp (NM_001395697.1); c.1817_1818insCGA (NM_177438.2).
Identifiers: ClinVar variation 1780681 (VCV001780681.2), dbSNP rs2543004432, ClinGen allele CA2580089014.
Genomic context (GRCh38, chr14:95,115,756, plus strand): 5'-TGTGACTCGTGGACCACCATCGTCAGGCCTCAACACATATGGTGGGAAAACGTCATCATC[A>ATCG]TCCATGACAGGATCAATGTCAGTCTCACCAGTATCAACCGACTTGGAACACTTGTTTCTC-3'

ClinVar aggregate classification (germline): Uncertain significance (1 of 4 stars; one submission).

Conditions:
Hereditary cancer-predisposing syndrome. Also called: Neoplastic Syndromes, Hereditary; Tumor predisposition; Hereditary Cancer Syndrome; Hereditary neoplastic syndrome. Identifiers: Orphanet 140162, MedGen C0027672, MeSH D009386, MONDO:0015356.

Submission:

Ambry Genetics
Classification: Uncertain significance for Hereditary cancer-predisposing syndrome. Last evaluated: 2022-02-24. Review status: criteria provided, single submitter. Criteria: Ambry Variant Classification Scheme 2023. Collection method: clinical testing. Allele origin: germline.
Comment: The c.1817_1818insCGA variant (also known as p.D609dup), located in coding exon 10 of the DICER1 gene, results from an in-frame CGA insertion after nucleotide position 1817. This results in the insertion of an extra aspartic acid after codon 609. This amino acid position is well conserved in available vertebrate species. In addition, this alteration is predicted to be neutral by in silico analysis (Choi Y et al. PLoS ONE. 2012; 7(10):e46688). Since supporting evidence is limited at this time, the clinical significance of this alteration remains unclear.